The following is an entry in ClinVar:

NM_016734.3(PAX5):c.530C>T (p.Ser177Leu)

Genes: PAX5 (paired box 5; minus strand), LOC105376032 (uncharacterized LOC105376032; plus strand). Cytogenetic location: 9p13.2.
Variant type: single nucleotide variant.
Coding change: c.530C>T on transcript NM_016734.3 (MANE Select); coding-DNA position 530, C replaced by T.
Protein change: p.Ser177Leu; replaces serine 177 with leucine.
Molecular consequence: missense variant. On other transcripts: non-coding transcript variant (4), intron variant (2).
Genome position (GRCh38, 1-based): chr9:37,002,722, G>A on the plus strand (C>T on the coding strand, the complement: PAX5 is on the minus strand). VCF-style: chr9-37002722-G-A. GRCh37 (hg19) VCF-style: chr9-37002719-G-A.
Other names: c.530C>T, p.Ser177Leu (NM_001280547.2, NM_001280548.2, NM_001280549.2 and 2 more transcripts); c.206C>T, p.Ser69Leu (NM_001280551.2, NM_001280556.2); c.332C>T, p.Ser111Leu (NM_001280555.2); c.475+3751C>T (NM_001280553.2, NM_001280554.2); short protein forms S69L, S177L, S111L.
Identifiers: ClinVar variation 4131443 (VCV004131443.1).
Genomic context (GRCh38, chr9:37,002,722, plus strand): 5'-CGCTTGTTGGTGTCGGCGCTGGGGGACGTGATGCCCAGGATGCCGCTGATGGAGTACGAC[G>A]AGCCGGCCGAATCCGTGCTCACCGAGGACACCTGCGTCACGGAGCCAGTGGACACTGCGC-3'
Protein context (NP_057953.1, residues 167-187): VSSVSTDSAG[Ser177Leu]SYSISGILGI

ClinVar aggregate classification (germline): Uncertain significance (1 of 4 stars; one submission).

Conditions:
Inborn genetic diseases. Identifiers: MedGen C0950123, MeSH D030342.

gnomAD v4.1: 7 of 1,610,522 alleles (0.00043%); highest among the groups gnomAD compares: Middle Eastern, 0.017%; no homozygotes.

Submission:

Ambry Genetics
Classification: Uncertain significance for Inborn genetic diseases. Last evaluated: 2025-09-11. Review status: criteria provided, single submitter. Criteria: Ambry Variant Classification Scheme 2023. Collection method: clinical testing. Allele origin: germline.
Comment: The p.S177L variant (also known as c.530C>T), located in coding exon 5 of the PAX5 gene, results from a C to T substitution at nucleotide position 530. The serine at codon 177 is replaced by leucine, an amino acid with dissimilar properties. This amino acid position is conserved. In addition, this alteration is predicted to be deleterious by in silico analysis. Based on the available evidence, the clinical significance of this variant remains unclear.